The following is an entry in ClinVar:

NM_015346.4(ZFYVE26):c.2248+1G>T

Gene: ZFYVE26 (zinc finger FYVE-type containing 26; minus strand). Cytogenetic location: 14q24.1.
Variant type: single nucleotide variant.
Coding change: c.2248+1G>T on transcript NM_015346.4 (MANE Select); the canonical splice donor site of the intron after coding-DNA position 2248, G replaced by T.
Molecular consequence: splice donor variant.
Genome position (GRCh38, 1-based): chr14:67,798,013, C>A on the plus strand (G>T on the coding strand, the complement: ZFYVE26 is on the minus strand). VCF-style: chr14-67798013-C-A. GRCh37 (hg19) VCF-style: chr14-68264730-C-A.
Identifiers: ClinVar variation 5004095 (VCV005004095.1).

ClinVar aggregate classification (germline): Uncertain significance (1 of 4 stars; one submission).

Conditions:
Hereditary spastic paraplegia 15 (SPG15). Also called: SPASTIC PARAPLEGIA AND RETINAL DEGENERATION; SPASTIC PARAPLEGIA 15, AUTOSOMAL RECESSIVE; KJELLIN SYNDROME. Identifiers: Orphanet 100996, MedGen C1849128, MONDO:0010044, OMIM 270700.

Submission:

Myriad Genetics, Inc.
Classification: Uncertain significance for Hereditary spastic paraplegia 15. Last evaluated: 2025-08-01. Review status: criteria provided, single submitter. Criteria: Myriad Autosomal Dominant, Autosomal Recessive and X-Linked Classification Criteria (2023). Collection method: clinical testing. Allele origin: unknown.
Comment: NM_015346.3(ZFYVE26):c.2248+1G>T is a variant in a canonical splice site classified as a variant of uncertain significance in the context of spastic paraplegia type 15. c.2248+1G>T has not been observed in cases with relevant disease. Relevant functional assessments of this variant are not available in the literature. c.2248+1G>T has not been observed in referenced population frequency databases. In summary, there is insufficient evidence to classify NM_015346.3(ZFYVE26):c.2248+1G>T as pathogenic or benign. Please note: this variant was assessed in the context of healthy population screening.